The following is an entry in ClinVar:

NM_173630.4(RTTN):c.1979A>T (p.Asn660Ile)

Gene: RTTN (rotatin; minus strand). Cytogenetic location: 18q22.2.
Variant type: single nucleotide variant.
Coding change: c.1979A>T on transcript NM_173630.4 (MANE Select); coding-DNA position 1979, A replaced by T.
Protein change: p.Asn660Ile; replaces asparagine 660 with isoleucine.
Molecular consequence: missense variant. On other transcripts: 5 prime UTR variant (1).
Genome position (GRCh38, 1-based): chr18:70,150,684, T>A on the plus strand (A>T on the coding strand, the complement: RTTN is on the minus strand). VCF-style: chr18-70150684-T-A. GRCh37 (hg19) VCF-style: chr18-67817920-T-A.
Other names: c.-669A>T (NM_001318520.2); short protein forms N660I.
Identifiers: ClinVar variation 452685 (VCV000452685.2), dbSNP rs755371922, ClinGen allele CA8996018.

ClinVar aggregate classification (germline): Uncertain significance (1 of 4 stars; one submission).

gnomAD v4.1: 2 of 1,610,624 alleles (0.00012%); highest among the groups gnomAD compares: Non-Finnish European, 0.00017%; no homozygotes.

Submission:

GeneDx
Classification: Uncertain significance. Last evaluated: 2017-10-12. Review status: criteria provided, single submitter. Criteria: GeneDx Variant Classification (06012015). Collection method: clinical testing. Allele origin: germline. Affected: yes.
Comment: The N660I variant has not been published as a pathogenic variant, nor has it been reported as a benign variant to our knowledge. The N660I variant is not observed at a significant frequency in large population cohorts (Lek et al., 2016). The N660I variant is a non-conservative amino acid substitution, which is likely to impact secondary protein structure as these residues differ in polarity, charge, size and/or other properties. However, this substitution occurs at a position that is not conserved, and in silico analysis predicts this variant likely does not alter the protein structure/function. Therefore, based on the currently available information, it is unclear whether this variant is a pathogenic variant or a rare benign variant.